The following is an entry in ClinVar:

NM_002354.3(EPCAM):c.695A>T (p.Asp232Val)

Gene: EPCAM (epithelial cell adhesion molecule; plus strand). Cytogenetic location: 2p21.
Variant type: single nucleotide variant.
Coding change: c.695A>T on transcript NM_002354.3 (MANE Select); coding-DNA position 695, A replaced by T.
Protein change: p.Asp232Val; replaces aspartic acid 232 with valine.
Molecular consequence: missense variant.
Genome position (GRCh38, 1-based): chr2:47,379,806, A>T. VCF-style: chr2-47379806-A-T. GRCh37 (hg19) VCF-style: chr2-47606945-A-T.
Other names: short protein forms D232V.
Identifiers: ClinVar variation 3275845 (VCV003275845.1).

ClinVar aggregate classification (germline): Uncertain significance (1 of 4 stars; one submission).

Conditions:
Hereditary cancer-predisposing syndrome. Also called: Tumor predisposition; Hereditary Cancer Syndrome; Hereditary neoplastic syndrome; Neoplastic Syndromes, Hereditary. Identifiers: Orphanet 140162, MedGen C0027672, MeSH D009386, MONDO:0015356.

Submission:

Ambry Genetics
Classification: Uncertain significance for Hereditary cancer-predisposing syndrome. Last evaluated: 2024-05-23. Review status: criteria provided, single submitter. Criteria: Ambry Variant Classification Scheme 2023. Collection method: clinical testing. Allele origin: germline.
Comment: The p.D232V variant (also known as c.695A>T), located in coding exon 7 of the EPCAM gene, results from an A to T substitution at nucleotide position 695. The aspartic acid at codon 232 is replaced by valine, an amino acid with highly dissimilar properties. This amino acid position is conserved. In addition, this alteration is predicted to be tolerated by in silico analysis. Based on the available evidence, the clinical significance of this variant remains unclear.